The following is an entry in ClinVar:

ClinVar aggregate classification (germline): Benign (1 of 4 stars; one submission).

Conditions:
Mitochondrial complex III deficiency nuclear type 4. Identifiers: MedGen C3554607, MONDO:0014065, OMIM 615159.

Allele frequency attached by ClinVar (database versions not stated): 1000 Genomes Project 0.04792; 1000 Genomes Project 30x 0.04903; TOPMed 0.10058; gnomAD 0.10289 and 0.10519.

Submission:

Illumina Laboratory Services, Illumina
Classification: Benign for Mitochondrial complex III deficiency nuclear type 4. Last evaluated: 2018-01-13. Review status: criteria provided, single submitter. Criteria: ICSL Variant Classification Criteria 13 December 2019. Collection method: clinical testing. Allele origin: germline.
Comment: This variant was observed in the ICSL laboratory as part of a predisposition screen in an ostensibly healthy population. It had not been previously curated by ICSL or reported in the Human Gene Mutation Database (HGMD: prior to June 1st, 2018), and was therefore a candidate for classification through an automated scoring system. Utilizing variant allele frequency, disease prevalence and penetrance estimates, and inheritance mode, an automated score was calculated to assess if this variant is too frequent to cause the disease. Based on the score and internal cut-off values, a variant classified as benign is not then subjected to further curation. The score for this variant resulted in a classification of benign for this disease.

NM_014402.5(UQCRQ):c.*757G>A

Gene: UQCRQ (ubiquinol-cytochrome c reductase complex III subunit VII; plus strand). Cytogenetic location: 5q31.1.
Variant type: single nucleotide variant.
Coding change: c.*757G>A on transcript NM_014402.5 (MANE Select); 757 bases downstream of the stop codon, G replaced by A.
Molecular consequence: 3 prime UTR variant.
Genome position (GRCh38, 1-based): chr5:132,868,339, G>A. VCF-style: chr5-132868339-G-A. GRCh37 (hg19) VCF-style: chr5-132204031-G-A.
Identifiers: ClinVar variation 350854 (VCV000350854.5), dbSNP rs17624157, ClinGen allele CA10619025.